The following is an entry in ClinVar:

NM_004525.3(LRP2):c.535T>C (p.Cys179Arg)

Gene: LRP2 (LDL receptor related protein 2; minus strand). Cytogenetic location: 2q31.1.
Variant type: single nucleotide variant.
Coding change: c.535T>C on transcript NM_004525.3 (MANE Select); coding-DNA position 535, T replaced by C.
Protein change: p.Cys179Arg; replaces cysteine 179 with arginine.
Molecular consequence: missense variant.
Genome position (GRCh38, 1-based): chr2:169,294,603, A>G on the plus strand (T>C on the coding strand, the complement: LRP2 is on the minus strand). VCF-style: chr2-169294603-A-G. GRCh37 (hg19) VCF-style: chr2-170151113-A-G.
Other names: short protein forms C179R.
Identifiers: ClinVar variation 1394195 (VCV001394195.6), dbSNP rs901055782, ClinGen allele CA59941678.

ClinVar aggregate classification (germline): Uncertain significance. Review status: criteria provided, multiple submitters, no conflicts (2 of 4 stars). 2 submissions from 2 submitters: Uncertain significance (2). Last evaluated 2021-12-16.

Conditions:
Donnai-Barrow syndrome. Also called: DBS/FOAR SYNDROME; FACIOOCULOACOUSTICORENAL SYNDROME. Identifiers: Orphanet 2143, MedGen C1857277, MONDO:0009104, OMIM 222448.

Allele frequency attached by ClinVar (database versions not stated): gnomAD exomes below 0.00001 and 0.00001; TOPMed 0.00001; gnomAD 0.00002.
gnomAD v4.1: 18 of 1,606,634 alleles (0.0011%); highest among the groups gnomAD compares: Non-Finnish European, 0.0013%; no homozygotes.

Submissions (2):

Fulgent Genetics
Classification: Uncertain significance for Donnai-Barrow syndrome. Last evaluated: 2021-12-16. Review status: criteria provided, single submitter. Criteria: ACMG Guidelines, 2015. Collection method: clinical testing. Allele origin: unknown.

Labcorp Genetics (formerly Invitae), Labcorp
Classification: Uncertain significance. Last evaluated: 2021-09-24. Review status: criteria provided, single submitter. Criteria: Invitae Variant Classification Sherloc (09022015). Collection method: clinical testing. Allele origin: germline.
Comment: This sequence change replaces cysteine with arginine at codon 179 of the LRP2 protein (p.Cys179Arg). The cysteine residue is moderately conserved and there is a large physicochemical difference between cysteine and arginine. This variant is not present in population databases (ExAC no frequency). This variant has not been reported in the literature in individuals with LRP2-related conditions. Advanced modeling of protein sequence and biophysical properties (such as structural, functional, and spatial information, amino acid conservation, physicochemical variation, residue mobility, and thermodynamic stability) performed at Invitae indicates that this missense variant is expected to disrupt LRP2 protein function. In summary, the available evidence is currently insufficient to determine the role of this variant in disease. Therefore, it has been classified as a Variant of Uncertain Significance.